The following is an entry in ClinVar:

NM_014014.5(SNRNP200):c.2895C>G (p.Asp965Glu)

Gene: SNRNP200 (small nuclear ribonucleoprotein U5 subunit 200; minus strand). Cytogenetic location: 2q11.2.
Variant type: single nucleotide variant.
Coding change: c.2895C>G on transcript NM_014014.5 (MANE Select); coding-DNA position 2895, C replaced by G.
Protein change: p.Asp965Glu; replaces aspartic acid 965 with glutamic acid.
Molecular consequence: missense variant.
Genome position (GRCh38, 1-based): chr2:96,289,844, G>C on the plus strand (C>G on the coding strand, the complement: SNRNP200 is on the minus strand). VCF-style: chr2-96289844-G-C. GRCh37 (hg19) VCF-style: chr2-96955582-G-C.
Other names: short protein forms D965E.
Identifiers: ClinVar variation 2118500 (VCV002118500.4), dbSNP rs2063873343, ClinGen allele CA347674771.

ClinVar aggregate classification (germline): Uncertain significance (1 of 4 stars; one submission).

Allele frequency attached by ClinVar (database versions not stated): gnomAD 0.00001; TOPMed below 0.00001.
gnomAD v4.1: 1 of 1,614,058 alleles (0.000062%); highest among the groups gnomAD compares: Admixed American, 0.0017%; no homozygotes.

Submission:

Labcorp Genetics (formerly Invitae), Labcorp
Classification: Uncertain significance. Last evaluated: 2025-01-27. Review status: criteria provided, single submitter. Criteria: Invitae Variant Classification Sherloc (09022015). Collection method: clinical testing. Allele origin: germline.
Comment: This sequence change replaces aspartic acid, which is acidic and polar, with glutamic acid, which is acidic and polar, at codon 965 of the SNRNP200 protein (p.Asp965Glu). This variant is not present in population databases (gnomAD no frequency). This variant has not been reported in the literature in individuals affected with SNRNP200-related conditions. ClinVar contains an entry for this variant (Variation ID: 2118500). Invitae Evidence Modeling of protein sequence and biophysical properties (such as structural, functional, and spatial information, amino acid conservation, physicochemical variation, residue mobility, and thermodynamic stability) indicates that this missense variant is not expected to disrupt SNRNP200 protein function with a negative predictive value of 95%. In summary, the available evidence is currently insufficient to determine the role of this variant in disease. Therefore, it has been classified as a Variant of Uncertain Significance.